The following is an entry in ClinVar:

NM_001099274.3(TINF2):c.389C>T (p.Ser130Leu)

Gene: TINF2 (TERF1 interacting nuclear factor 2; minus strand). Cytogenetic location: 14q12.
Variant type: single nucleotide variant.
Coding change: c.389C>T on transcript NM_001099274.3 (MANE Select); coding-DNA position 389, C replaced by T.
Protein change: p.Ser130Leu; replaces serine 130 with leucine.
Molecular consequence: missense variant.
Genome position (GRCh38, 1-based): chr14:24,241,685, G>A on the plus strand (C>T on the coding strand, the complement: TINF2 is on the minus strand). VCF-style: chr14-24241685-G-A. GRCh37 (hg19) VCF-style: chr14-24710891-G-A.
Other names: c.284C>T, p.Ser95Leu (NM_001363668.2); c.389C>T, p.Ser130Leu (NM_012461.3); short protein forms S130L, S95L.
Identifiers: ClinVar variation 1004809 (VCV001004809.13), dbSNP rs746984199, ClinGen allele CA7130687.

ClinVar aggregate classification (germline): Uncertain significance. Review status: criteria provided, multiple submitters, no conflicts (2 of 4 stars). 2 submissions from 2 submitters: Uncertain significance (2). Last evaluated 2025-05-09.

Conditions:
Dyskeratosis congenita. Identifiers: Orphanet 1775, MedGen C0265965, MONDO:0015780.

Allele frequency attached by ClinVar (database versions not stated): gnomAD exomes below 0.00001 and 0.00002; ExAC 0.00001; TOPMed 0.00002; gnomAD 0.00001.
gnomAD v4.1: 8 of 1,610,934 alleles (0.0005%); highest among the groups gnomAD compares: East Asian, 0.0089%; no homozygotes.

Submissions (2):

Genetic Services Laboratory, University of Chicago
Classification: Uncertain significance. Last evaluated: 2025-05-09. Review status: criteria provided, single submitter. Criteria: ACMG Guidelines, 2015. Collection method: clinical testing. Allele origin: germline.
Comment: The c.389C>T variant: Results in an amino acid change, p.Ser130Leu. Does not appear to have been previously described in individuals with TINF2-related disorders. Is reported in the gnomAD v4 database with a frequency of 0.0005% in the European subpopulation (dbSNP rs746984199). Affects a moderately conserved amino acid residue located in a domain of the TINF2 protein that is not known to be functional. Appears to be benign using several in-silico pathogenicity prediction tools. ClinVar contains an entry for this variant (Variation ID: 1004809). Due to insufficient evidence and the lack of functional studies, the clinical significance of the p.Ser130Leu variant remains unknown at this time.

Labcorp Genetics (formerly Invitae), Labcorp
Classification: Uncertain significance for Dyskeratosis congenita. Last evaluated: 2024-11-18. Review status: criteria provided, single submitter. Criteria: Invitae Variant Classification Sherloc (09022015). Collection method: clinical testing. Allele origin: germline.
Comment: This sequence change replaces serine, which is neutral and polar, with leucine, which is neutral and non-polar, at codon 130 of the TINF2 protein (p.Ser130Leu). This variant is present in population databases (rs746984199, gnomAD 0.02%). This variant has not been reported in the literature in individuals affected with TINF2-related conditions. ClinVar contains an entry for this variant (Variation ID: 1004809). An algorithm developed to predict the effect of missense changes on protein structure and function outputs the following: PolyPhen-2: "Benign". The leucine amino acid residue is found in multiple mammalian species, which suggests that this missense change does not adversely affect protein function. In summary, the available evidence is currently insufficient to determine the role of this variant in disease. Therefore, it has been classified as a Variant of Uncertain Significance.